The following is an entry in ClinVar:

NM_001127178.3(PIGG):c.1451C>T (p.Ser484Leu)

Gene: PIGG (phosphatidylinositol glycan anchor biosynthesis class G (EMM blood group); plus strand). Cytogenetic location: 4p16.3.
Variant type: single nucleotide variant.
Coding change: c.1451C>T on transcript NM_001127178.3 (MANE Select); coding-DNA position 1451, C replaced by T.
Protein change: p.Ser484Leu; replaces serine 484 with leucine.
Molecular consequence: missense variant. On other transcripts: 5 prime UTR variant (2), non-coding transcript variant (10), 3 prime UTR variant (2).
Genome position (GRCh38, 1-based): chr4:521,778, C>T. VCF-style: chr4-521778-C-T. GRCh37 (hg19) VCF-style: chr4-515567-C-T.
Other names: p.Ser484Leu; c.-83C>T (NM_001345990.2, NM_001345991.2); c.353C>T, p.Ser118Leu (NM_001345994.2); c.1427C>T, p.Ser476Leu (NM_017733.5); c.1184C>T, p.Ser395Leu (NM_001289051.2, NM_001289053.2, NM_001345986.2); c.1052C>T, p.Ser351Leu (NM_001289052.2); c.*13C>T (NM_001289055.2); c.*66C>T (NM_001289057.2); and 4 more; short protein forms S484L, S118L, S387L, S395L, S141L, S476L, S351L.
Identifiers: ClinVar variation 476317 (VCV000476317.22), dbSNP rs140156216, ClinGen allele CA2793316.

ClinVar aggregate classification (germline): Likely benign. Review status: criteria provided, multiple submitters, no conflicts (2 of 4 stars). 8 submissions from 8 submitters: Likely benign (6). 2 of the submissions do not count toward it. Last evaluated 2026-03-01.

Conditions:
Inborn genetic diseases. Identifiers: MedGen C0950123, MeSH D030342.
Intellectual disability, autosomal recessive 53 (NEDHSCA). Also called: GLYCOSYLPHOSPHATIDYLINOSITOL BIOSYNTHESIS DEFECT 13; Mental retardation, autosomal recessive 53; NEURODEVELOPMENTAL DISORDER WITH OR WITHOUT HYPOTONIA, SEIZURES, AND CEREBELLAR ATROPHY. Identifiers: Orphanet 488635, MedGen C4310794, MONDO:0014832, OMIM 616917.

Allele frequency attached by ClinVar (database versions not stated): 1000 Genomes Project 30x 0.00078; 1000 Genomes Project 0.00100; gnomAD 0.00113 and 0.00123; ESP Exome Variant Server 0.00123; TOPMed 0.00154.
gnomAD v4.1: 389 of 1,614,198 alleles (0.024%); highest among the groups gnomAD compares: African/African-American, 0.38%; 1 homozygote.

Submissions (8):

CeGaT Center for Human Genetics Tuebingen
Classification: Likely benign. Last evaluated: 2026-03-01. Review status: criteria provided, single submitter. Criteria: CeGaT Center For Human Genetics Tuebingen Variant Classification Criteria Version 2. Collection method: clinical testing. Allele origin: germline. Affected: yes. Observed: 1 variant allele.
Comment: PIGG: BP4

Labcorp Genetics (formerly Invitae), Labcorp
Classification: Likely benign for Intellectual disability, autosomal recessive 53. Last evaluated: 2026-01-28. Review status: criteria provided, single submitter. Criteria: Invitae Variant Classification Sherloc (09022015). Collection method: clinical testing. Allele origin: germline.

Mayo Clinic Laboratories, Mayo Clinic
Classification: Likely benign. Last evaluated: 2025-07-16. Review status: criteria provided, single submitter. Criteria: ACMG Guidelines, 2015. Collection method: clinical testing. Allele origin: germline. Observed: 1 variant allele.
Comment: BS1, BP4_moderate

Women's Health and Genetics/Laboratory Corporation of America, LabCorp
Classification: Likely benign. Last evaluated: 2024-04-17. Review status: criteria provided, single submitter. Criteria: LabCorp Variant Classification Summary - May 2015. Collection method: clinical testing. Allele origin: germline.
Comment: Variant summary: PIGG c.1451C>T (p.Ser484Leu) results in a non-conservative amino acid change in the encoded protein sequence. Four of five in-silico tools predict a benign effect of the variant on protein function. The variant allele was found at a frequency of 0.00024 in 1614198 control chromosomes, predominantly at a frequency of 0.0038 within the African or African-American subpopulation in the gnomAD database, including 1 homozygotes. The observed variant frequency within African or African-American control individuals in the gnomAD database is above of the estimated maximal expected allele frequency for a pathogenic variant in PIGG causing Intellectual Disability, Autosomal Recessive 53 phenotype, strongly suggesting that the variant is a benign polymorphism found primarily in populations of African or African-American origin. To our knowledge, no occurrence of c.1451C>T in individuals affected with Intellectual Disability, Autosomal Recessive 53 and no experimental evidence demonstrating its impact on protein function have been reported. ClinVar contains an entry for this variant (Variation ID: 476317). Based on the evidence outlined above, the variant was classified as likely benign.

Ambry Genetics
Classification: Likely benign for Inborn genetic diseases. Last evaluated: 2024-01-23. Review status: criteria provided, single submitter. Criteria: Ambry Variant Classification Scheme 2023. Collection method: clinical testing. Allele origin: germline.

GeneDx
Classification: Likely benign. Last evaluated: 2021-05-17. Review status: criteria provided, single submitter. Criteria: GeneDx Variant Classification Process June 2021. Collection method: clinical testing. Allele origin: germline. Affected: yes.

Clinical Genetics DNA and cytogenetics Diagnostics Lab, Erasmus MC, Erasmus Medical Center
Classification: Likely benign. Review status: no assertion criteria provided. Collection method: clinical testing. Allele origin: germline. Affected: yes. Study: VKGL Data-share Consensus. Not counted in ClinVar's aggregate classification.

Laboratory of Diagnostic Genome Analysis, Leiden University Medical Center (LUMC)
Classification: Likely benign. Review status: no assertion criteria provided. Collection method: clinical testing. Allele origin: germline. Affected: yes. Study: VKGL Data-share Consensus. Not counted in ClinVar's aggregate classification.